The following is an entry in ClinVar:

ClinVar aggregate classification (germline): Uncertain significance (1 of 4 stars; one submission).

Submission:

Labcorp Genetics (formerly Invitae), Labcorp
Classification: Uncertain significance. Last evaluated: 2023-11-27. Review status: criteria provided, single submitter. Criteria: Invitae Variant Classification Sherloc (09022015). Collection method: clinical testing. Allele origin: germline.
Comment: This sequence change falls in intron 13 of the PPP2R5D gene. It does not directly change the encoded amino acid sequence of the PPP2R5D protein. It affects a nucleotide within the consensus splice site. This variant is not present in population databases (gnomAD no frequency). This variant has not been reported in the literature in individuals affected with PPP2R5D-related conditions. Variants that disrupt the consensus splice site are a relatively common cause of aberrant splicing (PMID: 17576681, 9536098). Algorithms developed to predict the effect of sequence changes on RNA splicing suggest that this variant may disrupt the consensus splice site. In summary, the available evidence is currently insufficient to determine the role of this variant in disease. Therefore, it has been classified as a Variant of Uncertain Significance.

Literature cited by the submitters: PubMed 17576681; PubMed 9536098.

NM_006245.4(PPP2R5D):c.1481+2dup

Gene: PPP2R5D (protein phosphatase 2 regulatory subunit B'delta; plus strand). Cytogenetic location: 6p21.1.
Variant type: Duplication.
Coding change: c.1481+2dup on transcript NM_006245.4 (MANE Select); the canonical splice donor site of the intron after coding-DNA position 1481, one base duplicated (T; older notation c.1481+2dupT).
Molecular consequence: splice donor variant.
Genome position (GRCh38, 1-based): chr6:43,010,571, T duplicated. VCF-style (leftmost placement, unchanged base first): chr6-43010570-G-GT. GRCh37 (hg19) VCF-style: chr6-42978308-G-GT.
Other names: c.1028+2dup (NM_001270476.2); c.1385+2dup (NM_180976.3); c.1163+2dup (NM_180977.3).
Identifiers: ClinVar variation 2697057 (VCV002697057.3), dbSNP rs2532490054, ClinGen allele CA2697553384.
Genomic context (GRCh38, chr6:43,010,570, plus strand): 5'-GGAAATGAATCAGAAGCTGTTTGATGACTGCACACAACAATACAAGGCAGAGAAGCAGAA[G>GT]TGAGTATCTCTCTCCCCGGGAGACTTTCATCTTCTACCACCAGCTCACTGTGTTTCTCTC-3'